The following is an entry in ClinVar:

ClinVar aggregate classification (germline): Uncertain significance (1 of 4 stars; one submission).

Conditions:
Catecholaminergic polymorphic ventricular tachycardia 1. Also called: VENTRICULAR TACHYCARDIA, CATECHOLAMINERGIC POLYMORPHIC, 1, WITH OR WITHOUT ATRIAL DYSFUNCTION AND/OR DILATED CARDIOMYOPATHY; RYR2-Related Catecholaminergic Polymorphic Ventricular Tachycardia; VENTRICULAR TACHYCARDIA, STRESS-INDUCED POLYMORPHIC 1. Identifiers: Orphanet 3286, MedGen C1631597, MONDO:0011484, OMIM 604772.

Allele frequency attached by ClinVar (database versions not stated): ExAC 0.00001; gnomAD 0.00001; gnomAD exomes 0.00001; TOPMed 0.00001.
gnomAD v4.1: 20 of 1,609,614 alleles (0.0012%); highest among the groups gnomAD compares: Non-Finnish European, 0.0017%; no homozygotes.

Submission:

Labcorp Genetics (formerly Invitae), Labcorp
Classification: Uncertain significance for Catecholaminergic polymorphic ventricular tachycardia 1. Last evaluated: 2023-12-13. Review status: criteria provided, single submitter. Criteria: Invitae Variant Classification Sherloc (09022015). Collection method: clinical testing. Allele origin: germline.
Comment: This sequence change replaces arginine, which is basic and polar, with serine, which is neutral and polar, at codon 1559 of the RYR2 protein (p.Arg1559Ser). This variant is present in population databases (rs756330224, gnomAD 0.002%). This variant has not been reported in the literature in individuals affected with RYR2-related conditions. ClinVar contains an entry for this variant (Variation ID: 964611). Advanced modeling of protein sequence and biophysical properties (such as structural, functional, and spatial information, amino acid conservation, physicochemical variation, residue mobility, and thermodynamic stability) performed at Invitae indicates that this missense variant is not expected to disrupt RYR2 protein function with a negative predictive value of 95%. In summary, the available evidence is currently insufficient to determine the role of this variant in disease. Therefore, it has been classified as a Variant of Uncertain Significance.

NM_001035.3(RYR2):c.4677A>T (p.Arg1559Ser)

Gene: RYR2 (ryanodine receptor 2; plus strand). Cytogenetic location: 1q43.
Variant type: single nucleotide variant.
Coding change: c.4677A>T on transcript NM_001035.3 (MANE Select); coding-DNA position 4677, A replaced by T.
Protein change: p.Arg1559Ser; replaces arginine 1559 with serine.
Molecular consequence: missense variant.
Genome position (GRCh38, 1-based): chr1:237,602,105, A>T. VCF-style: chr1-237602105-A-T. GRCh37 (hg19) VCF-style: chr1-237765405-A-T.
Other names: short protein forms R1559S.
Identifiers: ClinVar variation 964611 (VCV000964611.9), dbSNP rs756330224, ClinGen allele CA086681.